The following is an entry in ClinVar:

ClinVar aggregate classification (germline): Benign. Review status: criteria provided, single submitter (1 of 4 stars). 2 submissions from 2 submitters: Benign (1). 1 of the submissions does not count toward it. Last evaluated 2019-12-31.

Conditions:
FUZ-related disorder. Also called: FUZ-related condition.

Allele frequency attached by ClinVar (database versions not stated): gnomAD exomes 0.00005 and 0.00017; ExAC 0.00028; gnomAD 0.00050 and 0.00054; TOPMed 0.00071; ESP Exome Variant Server 0.00077; 1000 Genomes Project 0.00120; 1000 Genomes Project 30x 0.00141.
gnomAD v4.1: 156 of 1,613,202 alleles (0.0097%); highest among the groups gnomAD compares: African/African-American, 0.16%; 1 homozygote.

Submissions (2):

Labcorp Genetics (formerly Invitae), Labcorp
Classification: Benign. Last evaluated: 2019-12-31. Review status: criteria provided, single submitter. Criteria: Invitae Variant Classification Sherloc (09022015). Collection method: clinical testing. Allele origin: germline.

PreventionGenetics, part of Exact Sciences
Classification: Likely benign for FUZ-related condition. Last evaluated: 2019-09-11. Review status: no assertion criteria provided. Collection method: clinical testing. Allele origin: germline. Not counted in ClinVar's aggregate classification.
Comment: This variant is classified as likely benign based on ACMG/AMP sequence variant interpretation guidelines (Richards et al. 2015 PMID: 25741868, with internal and published modifications).

NM_025129.5(FUZ):c.456G>A (p.Val152=)

Gene: FUZ (fuzzy planar cell polarity protein; minus strand). Cytogenetic location: 19q13.33.
Variant type: single nucleotide variant.
Coding change: c.456G>A on transcript NM_025129.5 (MANE Select); coding-DNA position 456, G replaced by A.
Protein change: p.Val152=; no amino-acid change (valine 152 retained).
Molecular consequence: synonymous variant. On other transcripts: non-coding transcript variant (1).
Genome position (GRCh38, 1-based): chr19:49,811,399, C>T on the plus strand (G>A on the coding strand, the complement: FUZ is on the minus strand). VCF-style: chr19-49811399-C-T. GRCh37 (hg19) VCF-style: chr19-50314656-C-T.
Other names: c.348G>A, p.Val116= (NM_001171937.2); c.456G>A, p.Val152= (NM_001352262.2); c.306G>A, p.Val102= (NM_001363663.1).
Identifiers: ClinVar variation 743170 (VCV000743170.6), dbSNP rs146191083, ClinGen allele CA9584452.